The following is an entry in ClinVar:

ClinVar aggregate classification (germline): Likely benign (0 of 4 stars; one submission).

Conditions:
ITPKC-related disorder. Also called: ITPKC-related condition.

Allele frequency attached by ClinVar (database versions not stated): ExAC 0.00023; ESP Exome Variant Server 0.00069; 1000 Genomes Project 0.00160; 1000 Genomes Project 30x 0.00203.

Submission:

PreventionGenetics, part of Exact Sciences
Classification: Likely benign for ITPKC-related condition. Last evaluated: 2019-07-12. Review status: no assertion criteria provided. Collection method: clinical testing. Allele origin: germline.
Comment: This variant is classified as likely benign based on ACMG/AMP sequence variant interpretation guidelines (Richards et al. 2015 PMID: 25741868, with internal and published modifications).

NM_025194.3(ITPKC):c.*4G>T

Gene: ITPKC (inositol-trisphosphate 3-kinase C; plus strand). Cytogenetic location: 19q13.2.
Variant type: single nucleotide variant.
Coding change: c.*4G>T on transcript NM_025194.3 (MANE Select); 4 bases downstream of the stop codon, G replaced by T.
Molecular consequence: 3 prime UTR variant.
Genome position (GRCh38, 1-based): chr19:40,739,564, G>T. VCF-style: chr19-40739564-G-T. GRCh37 (hg19) VCF-style: chr19-41245469-G-T.
Other names: c.*4G>T (NM_001411098.1).
Identifiers: ClinVar variation 3050072 (VCV003050072.2), dbSNP rs200330367, ClinGen allele CA9451051.